The following is an entry in ClinVar:

ClinVar aggregate classification (germline): Uncertain significance (1 of 4 stars; one submission).

gnomAD v4.1: 8 of 1,613,898 alleles (0.0005%); highest among the groups gnomAD compares: Non-Finnish European, 0.00068%; no homozygotes.

Submission:

Labcorp Genetics (formerly Invitae), Labcorp
Classification: Uncertain significance. Last evaluated: 2024-03-13. Review status: criteria provided, single submitter. Criteria: Invitae Variant Classification Sherloc (09022015). Collection method: clinical testing. Allele origin: germline.
Comment: This sequence change replaces arginine, which is basic and polar, with histidine, which is basic and polar, at codon 4597 of the KMT2C protein (p.Arg4597His). This variant is not present in population databases (gnomAD no frequency). This variant has not been reported in the literature in individuals affected with KMT2C-related conditions. An algorithm developed to predict the effect of missense changes on protein structure and function (PolyPhen-2) suggests that this variant is likely to be tolerated. In summary, the available evidence is currently insufficient to determine the role of this variant in disease. Therefore, it has been classified as a Variant of Uncertain Significance.

NM_170606.3(KMT2C):c.13790G>A (p.Arg4597His)

Gene: KMT2C (lysine methyltransferase 2C; minus strand). Cytogenetic location: 7q36.1.
Variant type: single nucleotide variant.
Coding change: c.13790G>A on transcript NM_170606.3 (MANE Select); coding-DNA position 13790, G replaced by A.
Protein change: p.Arg4597His; replaces arginine 4597 with histidine.
Molecular consequence: missense variant.
Genome position (GRCh38, 1-based): chr7:152,148,137, C>T on the plus strand (G>A on the coding strand, the complement: KMT2C is on the minus strand). VCF-style: chr7-152148137-C-T. GRCh37 (hg19) VCF-style: chr7-151845222-C-T.
Other names: short protein forms R4597H.
Identifiers: ClinVar variation 3685328 (VCV003685328.2).